The following is an entry in ClinVar:

ClinVar aggregate classification (germline): Benign (1 of 4 stars; one submission).

Conditions:
Erythrocytosis, familial, 3 (ECYT3). Identifiers: Orphanet 247511, MedGen C1853286, MONDO:0012353, OMIM 609820.

Allele frequency attached by ClinVar (database versions not stated): TOPMed 0.00001; 1000 Genomes Project 0.00060; 1000 Genomes Project 30x 0.00078.

Submission:

Illumina Laboratory Services, Illumina
Classification: Benign for Erythrocytosis, familial, 3. Last evaluated: 2018-01-13. Review status: criteria provided, single submitter. Criteria: ICSL Variant Classification Criteria 13 December 2019. Collection method: clinical testing. Allele origin: germline.
Comment: This variant was observed in the ICSL laboratory as part of a predisposition screen in an ostensibly healthy population. It had not been previously curated by ICSL or reported in the Human Gene Mutation Database (HGMD: prior to June 1st, 2018), and was therefore a candidate for classification through an automated scoring system. Utilizing variant allele frequency, disease prevalence and penetrance estimates, and inheritance mode, an automated score was calculated to assess if this variant is too frequent to cause the disease. Based on the score and internal cut-off values, a variant classified as benign is not then subjected to further curation. The score for this variant resulted in a classification of benign for this disease.

NM_022051.3(EGLN1):c.-379A>C

Gene: EGLN1 (egl-9 family hypoxia inducible factor 1; minus strand). Cytogenetic location: 1q42.2.
Variant type: single nucleotide variant.
Coding change: c.-379A>C on transcript NM_022051.3 (MANE Select); 379 bases upstream of the start codon, A replaced by C.
Molecular consequence: 5 prime UTR variant.
Genome position (GRCh38, 1-based): chr1:231,422,267, T>G on the plus strand (A>C on the coding strand, the complement: EGLN1 is on the minus strand). VCF-style: chr1-231422267-T-G. GRCh37 (hg19) VCF-style: chr1-231558013-T-G.
Other names: c.-379A>C (NM_001377260.1, NM_001377261.1).
Identifiers: ClinVar variation 876307 (VCV000876307.4), dbSNP rs533584823, ClinGen allele CA38949575.